The following is an entry in ClinVar:

NM_000089.4(COL1A2):c.3013C>T (p.Arg1005Cys)

Gene: COL1A2 (collagen type I alpha 2 chain; plus strand). Cytogenetic location: 7q21.3.
Variant type: single nucleotide variant.
Coding change: c.3013C>T on transcript NM_000089.4 (MANE Select); coding-DNA position 3013, C replaced by T.
Protein change: p.Arg1005Cys; replaces arginine 1005 with cysteine.
Molecular consequence: missense variant.
Genome position (GRCh38, 1-based): chr7:94,426,438, C>T. VCF-style: chr7-94426438-C-T. GRCh37 (hg19) VCF-style: chr7-94055750-C-T.
Other names: short protein forms R1005C.
Identifiers: ClinVar variation 2189672 (VCV002189672.5), dbSNP rs745988180, ClinGen allele CA4347645.

ClinVar aggregate classification (germline): Uncertain significance. Review status: criteria provided, multiple submitters, no conflicts (2 of 4 stars). 2 submissions from 2 submitters: Uncertain significance (2). Last evaluated 2024-12-02.

Conditions:
Cardiovascular phenotype. Identifiers: MedGen CN230736.
Ehlers-Danlos syndrome, classic type, 1 (EDSCL1). Also called: Ehlers-Danlos Syndrome, Classic Type, COL5A1-Related; EHLERS-DANLOS SYNDROME, GRAVIS TYPE; EHLERS-DANLOS SYNDROME, SEVERE CLASSIC TYPE; Ehlers-Danlos syndrome, type 1; EDS I. Identifiers: MedGen C0268335, MONDO:0019567, OMIM 130000.
Osteogenesis imperfecta type I (OI1). Also called: OI, TYPE I; OSTEOGENESIS IMPERFECTA TARDA; OSTEOGENESIS IMPERFECTA WITH BLUE SCLERAE; Osteogenesis imperfecta type 1; Classic Non-deforming Osteogenesis Imperfecta with Blue Sclerae; Lobstein's Disease. Identifiers: Orphanet 216796, Orphanet 666, MedGen C0023931, MONDO:0008146, OMIM 166200. Disease mechanism: loss of function.

Allele frequency attached by ClinVar (database versions not stated): gnomAD exomes 0.00001; ExAC 0.00004; TOPMed 0.00002; gnomAD 0.00001.
gnomAD v4.1: 16 of 1,599,814 alleles (0.001%); highest among the groups gnomAD compares: Non-Finnish European, 0.0014%; no homozygotes.

Submissions (2):

Ambry Genetics
Classification: Uncertain significance for Cardiovascular phenotype. Last evaluated: 2024-12-02. Review status: criteria provided, single submitter. Criteria: Ambry Variant Classification Scheme 2023. Collection method: clinical testing. Allele origin: germline.
Comment: The p.R1005C variant (also known as c.3013C>T), located in coding exon 46 of the COL1A2 gene, results from a C to T substitution at nucleotide position 3013. The arginine at codon 1005 is replaced by cysteine, an amino acid with highly dissimilar properties. This amino acid position is highly conserved in available vertebrate species. In addition, this alteration is predicted to be deleterious by in silico analysis. Based on the available evidence, the clinical significance of this variant remains unclear.

Labcorp Genetics (formerly Invitae), Labcorp
Classification: Uncertain significance for Osteogenesis imperfecta type I; Ehlers-Danlos syndrome, classic type, 1. Last evaluated: 2024-11-22. Review status: criteria provided, single submitter. Criteria: Invitae Variant Classification Sherloc (09022015). Collection method: clinical testing. Allele origin: germline.
Comment: This sequence change replaces arginine, which is basic and polar, with cysteine, which is neutral and slightly polar, at codon 1005 of the COL1A2 protein (p.Arg1005Cys). The frequency data for this variant in the population databases is considered unreliable, as metrics indicate poor data quality at this position in the gnomAD database. This variant has not been reported in the literature in individuals affected with COL1A2-related conditions. ClinVar contains an entry for this variant (Variation ID: 2189672). Invitae Evidence Modeling of protein sequence and biophysical properties (such as structural, functional, and spatial information, amino acid conservation, physicochemical variation, residue mobility, and thermodynamic stability) indicates that this missense variant is expected to disrupt COL1A2 protein function with a positive predictive value of 95%. In summary, the available evidence is currently insufficient to determine the role of this variant in disease. Therefore, it has been classified as a Variant of Uncertain Significance.